The following is an entry in ClinVar:

NM_018136.5(ASPM):c.7328C>T (p.Ala2443Val)

Gene: ASPM (assembly factor for spindle microtubules; minus strand). Cytogenetic location: 1q31.3.
Variant type: single nucleotide variant.
Coding change: c.7328C>T on transcript NM_018136.5 (MANE Select); coding-DNA position 7328, C replaced by T.
Protein change: p.Ala2443Val; replaces alanine 2443 with valine.
Molecular consequence: missense variant. On other transcripts: intron variant (1).
Genome position (GRCh38, 1-based): chr1:197,101,923, G>A on the plus strand (C>T on the coding strand, the complement: ASPM is on the minus strand). VCF-style: chr1-197101923-G-A. GRCh37 (hg19) VCF-style: chr1-197071053-G-A.
Other names: c.4066-5759C>T (NM_001206846.2); short protein forms A2443V.
Identifiers: ClinVar variation 1422358 (VCV001422358.6), dbSNP rs1571598933, ClinGen allele CA344019389.

ClinVar aggregate classification (germline): Uncertain significance (1 of 4 stars; one submission).

Allele frequency attached by ClinVar (database versions not stated): gnomAD exomes below 0.00001.
gnomAD v4.1: 1 of 1,612,764 alleles (0.000062%); highest among the groups gnomAD compares: Non-Finnish European, 0.000085%; no homozygotes.

Submission:

Labcorp Genetics (formerly Invitae), Labcorp
Classification: Uncertain significance. Last evaluated: 2022-06-05. Review status: criteria provided, single submitter. Criteria: Invitae Variant Classification Sherloc (09022015). Collection method: clinical testing. Allele origin: germline.
Comment: This sequence change replaces alanine, which is neutral and non-polar, with valine, which is neutral and non-polar, at codon 2443 of the ASPM protein (p.Ala2443Val). This variant is not present in population databases (gnomAD no frequency). This variant has not been reported in the literature in individuals affected with ASPM-related conditions. ClinVar contains an entry for this variant (Variation ID: 1422358). Algorithms developed to predict the effect of missense changes on protein structure and function are either unavailable or do not agree on the potential impact of this missense change (SIFT: "Deleterious"; PolyPhen-2: "Probably Damaging"; Align-GVGD: "Class C0"). In summary, the available evidence is currently insufficient to determine the role of this variant in disease. Therefore, it has been classified as a Variant of Uncertain Significance.